The following is an entry in ClinVar:

NM_015103.3(PLXND1):c.4008C>G (p.Leu1336=)

Gene: PLXND1 (plexin D1; minus strand). Cytogenetic location: 3q22.1.
Variant type: single nucleotide variant.
Coding change: c.4008C>G on transcript NM_015103.3 (MANE Select); coding-DNA position 4008, C replaced by G.
Protein change: p.Leu1336=; no amino-acid change (leucine 1336 retained).
Molecular consequence: synonymous variant.
Genome position (GRCh38, 1-based): chr3:129,567,570, G>C on the plus strand (C>G on the coding strand, the complement: PLXND1 is on the minus strand). VCF-style: chr3-129567570-G-C. GRCh37 (hg19) VCF-style: chr3-129286413-G-C.
Identifiers: ClinVar variation 3059215 (VCV003059215.2), dbSNP rs2245285, ClinGen allele CA2608377.

ClinVar aggregate classification (germline): Benign (0 of 4 stars; one submission).

Conditions:
PLXND1-related disorder. Also called: PLXND1-related condition.

Allele frequency attached by ClinVar (database versions not stated): gnomAD exomes 0.34371; ESP Exome Variant Server 0.40074; gnomAD 0.41384; ExAC 0.41764; TOPMed 0.42891; 1000 Genomes Project 30x 0.51546; 1000 Genomes Project 0.51797.
gnomAD v4.1: 565,449 of 1,607,588 alleles (35%); highest among the groups gnomAD compares: East Asian, 71%; 106,299 homozygotes.

Submission:

PreventionGenetics, part of Exact Sciences
Classification: Benign for PLXND1-related condition. Last evaluated: 2019-06-06. Review status: no assertion criteria provided. Collection method: clinical testing. Allele origin: germline.
Comment: This variant is classified as benign based on ACMG/AMP sequence variant interpretation guidelines (Richards et al. 2015 PMID: 25741868, with internal and published modifications).